The following is an entry in ClinVar:

NM_014915.3(ANKRD26):c.4846A>T (p.Asn1616Tyr)

Gene: ANKRD26 (ankyrin repeat domain 26; minus strand). Cytogenetic location: 10p12.1.
Variant type: single nucleotide variant.
Coding change: c.4846A>T on transcript NM_014915.3 (MANE Select); coding-DNA position 4846, A replaced by T.
Protein change: p.Asn1616Tyr; replaces asparagine 1616 with tyrosine.
Molecular consequence: missense variant.
Genome position (GRCh38, 1-based): chr10:27,012,989, T>A on the plus strand (A>T on the coding strand, the complement: ANKRD26 is on the minus strand). VCF-style: chr10-27012989-T-A. GRCh37 (hg19) VCF-style: chr10-27301918-T-A.
Other names: c.4843A>T, p.Asn1615Tyr (NM_001256053.2); short protein forms N1615Y, N1616Y.
Identifiers: ClinVar variation 2640371 (VCV002640371.25), dbSNP rs375363190, ClinGen allele CA5447707.

ClinVar aggregate classification (germline): Conflicting classifications of pathogenicity. Review status: criteria provided, conflicting classifications (1 of 4 stars). 2 submissions from 2 submitters: Uncertain significance (1); Likely benign (1). Last evaluated 2024-12-22.

Conditions:
Inborn genetic diseases. Identifiers: MedGen C0950123, MeSH D030342.

Allele frequency attached by ClinVar (database versions not stated): ExAC 0.00001; gnomAD 0.00001; gnomAD exomes 0.00001; TOPMed 0.00001; ESP Exome Variant Server 0.00008.
gnomAD v4.1: 14 of 1,613,924 alleles (0.00087%); highest among the groups gnomAD compares: Non-Finnish European, 0.0012%; no homozygotes.

Submissions (2):

Ambry Genetics
Classification: Uncertain significance for Inborn genetic diseases. Last evaluated: 2024-12-22. Review status: criteria provided, single submitter. Criteria: Ambry Variant Classification Scheme 2023. Collection method: clinical testing. Allele origin: germline.
Comment: The p.N1616Y variant (also known as c.4846A>T), located in coding exon 32 of the ANKRD26 gene, results from an A to T substitution at nucleotide position 4846. The asparagine at codon 1616 is replaced by tyrosine, an amino acid with dissimilar properties. This amino acid position is conserved. In addition, this alteration is predicted to be tolerated by in silico analysis. Based on the available evidence, the clinical significance of this variant remains unclear.

CeGaT Center for Human Genetics Tuebingen
Classification: Likely benign. Last evaluated: 2023-09-01. Review status: criteria provided, single submitter. Criteria: CeGaT Center For Human Genetics Tuebingen Variant Classification Criteria Version 2. Collection method: clinical testing. Allele origin: germline. Affected: yes. Observed: 1 variant allele.
Comment: ANKRD26: BP4